The following is an entry in ClinVar:

ClinVar aggregate classification (germline): Uncertain significance (1 of 4 stars; one submission).

Conditions:
Autosomal dominant Robinow syndrome 2. Identifiers: Orphanet 3107, Orphanet 97360, MedGen C4225363, MONDO:0014591, OMIM 616331.

Submission:

Juno Genomics, Hangzhou Juno Genomics, Inc
Classification: Uncertain significance for Autosomal dominant Robinow syndrome 2. Review status: criteria provided, single submitter. Criteria: ACMG Guidelines, 2015. Collection method: clinical testing. Allele origin: germline. Affected: yes.
Comment: Absent from controls (or at extremely low frequency if recessive) in Genome Aggregation Database.;Located in a mutational hot spot and/or critical and well-established functional domain without benign variation.;Patient's phenotype or family history is highly specific for a disease with a single genetic etiology.

NM_001330311.2(DVL1):c.1571del (p.Pro524fs)

Gene: DVL1 (dishevelled segment polarity protein 1; minus strand). Cytogenetic location: 1p36.33.
Variant type: Deletion.
Coding change: c.1571del on transcript NM_001330311.2 (MANE Select); coding-DNA position 1571, one base deleted (C; older notation c.1571delC).
Protein change: p.Pro524fs; shifts the reading frame from proline 524.
Molecular consequence: frameshift variant.
Genome position (GRCh38, 1-based): chr1:1,338,120, G deleted on the plus strand (C on the coding strand, the reverse complement: DVL1 is on the minus strand); the first of 4 consecutive G bases (chr1:1,338,120-1,338,123); deleting any one gives the same sequence. VCF-style (leftmost placement, unchanged base first): chr1-1338119-CG-C. GRCh37 (hg19) VCF-style: chr1-1273499-CG-C.
Other names: c.1496del, p.Pro499fs (NM_004421.3); short protein forms P524fs, P499fs.
Identifiers: ClinVar variation 5007614 (VCV005007614.1).
Genomic context (GRCh38, chr1:1,338,119, plus strand): 5'-TCCCGGGTACTGGTAGGGGTAGCCCTGACCCAGAGGCCAGGGGGCAGCCGGGTGGGGCAG[CG>C]GGGCCAGCGTGTCCTGATCCGAAGTCCCACTGGAGCCACTGTTGAGGTTCAGGGTGGCGA-3'